The following is an entry in ClinVar:

NM_130839.5(UBE3A):c.323_324del (p.Ile108fs)

Genes: SNHG14 (small nucleolar RNA host gene 14; plus strand), UBE3A (ubiquitin protein ligase E3A; minus strand). Cytogenetic location: 15q11.2.
Variant type: Deletion.
Coding change: c.323_324del on transcript NM_130839.5 (MANE Select); coding-DNA positions 323 to 324, 2 bases deleted (TA; older notation c.323_324delTA).
Protein change: p.Ile108fs; shifts the reading frame from isoleucine 108.
Molecular consequence: frameshift variant. On other transcripts: non-coding transcript variant (1).
Genome position (GRCh38, 1-based): chr15:25,375,502-25,375,503, TA deleted on the plus strand (TA on the coding strand, the reverse complement: UBE3A is on the minus strand); deleting any 2 consecutive bases within chr15:25,375,502-25,375,504 gives the same sequence; the c. name uses the placement nearest the transcript's 3' end. VCF-style (leftmost placement, unchanged base first): chr15-25375501-TTA-T. GRCh37 (hg19) VCF-style: chr15-25620648-TTA-T.
Other names: c.332_333del, p.Ile111fs (NM_000462.5); c.323_324del, p.Ile108fs (NM_001354505.1, NM_001354538.2, NM_001354545.2 and 1 more transcripts); c.263_264del, p.Ile88fs (NM_001354506.2, NM_001354507.2, NM_001354508.2 and 18 more transcripts); c.146_147del, p.Ile49fs (NM_001354546.2); short protein forms I49fs, I88fs, I111fs, I108fs.
Identifiers: ClinVar variation 136189 (VCV000136189.1), dbSNP rs587780567, ClinGen allele CA333458.

ClinVar aggregate classification (germline): Pathogenic (0 of 4 stars; one submission).

Conditions:
Angelman syndrome (AS). Also called: HAPPY PUPPET SYNDROME. Identifiers: Orphanet 72, MedGen C0162635, MONDO:0007113, OMIM 105830. Disease mechanism: loss of function. Inheritance: AS is caused by disruption of maternally imprinted UBE3A located within the 15q11.2-q13 Angelman syndrome/Prader-Willi syndrome (AS/PWS) region., imprinting disorder.

Submission:

Baylor Genetics
Classification: Pathogenic for Angelman Syndrome. Last evaluated: 2014-02-14. Review status: no assertion criteria provided. Collection method: clinical testing. Allele origin: germline. Affected: yes. Observed: 1 variant allele. Study: UBE3A Mutation Study.
Comment: Data collected from clinical UBE3A sequence analysis results

Literature cited by the submitters: PubMed 25212744.